The following is an entry in ClinVar:

ClinVar aggregate classification (germline): Benign/Likely benign. Review status: criteria provided, multiple submitters, no conflicts (2 of 4 stars). 2 submissions from 2 submitters: Benign (1); Likely benign (1). Last evaluated 2025-06-09.

Conditions:
CHARGE syndrome (CHARGE). Also called: Hittner Hirsch Kreh syndrome; Coloboma, heart anomaly, choanal atresia, retardation, genital and ear anomalies; CHARGE association; Hall-Hittner syndrome; CHARGE ASSOCIATION--COLOBOMA, HEART ANOMALY, CHOANAL ATRESIA, RETARDATION, GENITAL AND EAR ANOMALIES. Identifiers: Orphanet 138, MedGen C0265354, MONDO:0008965.

Allele frequency attached by ClinVar (database versions not stated): 1000 Genomes Project below 0.00001; TOPMed 0.00001.
gnomAD v4.1: 2 of 1,524,516 alleles (0.00013%); highest among the groups gnomAD compares: East Asian, 0.0045%; no homozygotes.

Submissions (2):

Labcorp Genetics (formerly Invitae), Labcorp
Classification: Benign for CHARGE syndrome. Last evaluated: 2025-06-09. Review status: criteria provided, single submitter. Criteria: Invitae Variant Classification Sherloc (09022015). Collection method: clinical testing. Allele origin: germline.

GeneDx
Classification: Likely benign. Last evaluated: 2018-02-22. Review status: criteria provided, single submitter. Criteria: GeneDx Variant Classification (06012015). Collection method: clinical testing. Allele origin: germline. Affected: yes.
Comment: This variant is considered likely benign or benign based on one or more of the following criteria: it is a conservative change, it occurs at a poorly conserved position in the protein, it is predicted to be benign by multiple in silico algorithms, and/or has population frequency not consistent with disease.

NM_017780.4(CHD7):c.6692C>G (p.Ser2231Cys)

Gene: CHD7 (chromodomain helicase DNA binding protein 7; plus strand). Cytogenetic location: 8q12.2.
Variant type: single nucleotide variant.
Coding change: c.6692C>G on transcript NM_017780.4 (MANE Select); coding-DNA position 6692, C replaced by G.
Protein change: p.Ser2231Cys; replaces serine 2231 with cysteine.
Molecular consequence: missense variant. On other transcripts: intron variant (1).
Genome position (GRCh38, 1-based): chr8:60,853,417, C>G. VCF-style: chr8-60853417-C-G. GRCh37 (hg19) VCF-style: chr8-61765976-C-G.
Other names: c.6692C>G (LRG_176t1); c.1717-8812C>G (NM_001316690.1); short protein forms S2231C.
Identifiers: ClinVar variation 515440 (VCV000515440.5), dbSNP rs554415600, ClinGen allele CA4760636.
Genomic context (GRCh38, chr8:60,853,417, plus strand): 5'-CCAGCTCTGTGAAAAATGAACTGAAAGGTGTTGAGGTCGGCGCAGACACTGGGTCCAAAT[C>G]TATTTCAGAGAAAGGTTCCGAAGAGGATGAAGAGGAAAAGCTGGAGGATGACGATAAGTC-3'
Protein context (NP_060250.2, residues 2221-2241): VEVGADTGSK[Ser2231Cys]ISEKGSEEDE